The following is an entry in ClinVar:

ClinVar aggregate classification (germline): Uncertain significance (1 of 4 stars; one submission).

Conditions:
Early-infantile DEE. Also called: Early infantile epileptic encephalopathy; Ohtahara syndrome; Early infantile epileptic encephalopathy with suppression bursts. Identifiers: Orphanet 1934, MedGen C0393706, MONDO:0800491.

Allele frequency attached by ClinVar (database versions not stated): gnomAD exomes below 0.00001 and 0.00002; gnomAD 0.00001 and 0.00002; TOPMed 0.00001; ExAC 0.00002.
gnomAD v4.1: 10 of 1,613,036 alleles (0.00062%); highest among the groups gnomAD compares: East Asian, 0.016%; no homozygotes.

Submission:

Labcorp Genetics (formerly Invitae), Labcorp
Classification: Uncertain significance for Early-infantile DEE. Last evaluated: 2024-05-09. Review status: criteria provided, single submitter. Criteria: Invitae Variant Classification Sherloc (09022015). Collection method: clinical testing. Allele origin: germline.
Comment: This sequence change replaces aspartic acid, which is acidic and polar, with asparagine, which is neutral and polar, at codon 1564 of the SCN1A protein (p.Asp1564Asn). This variant is present in population databases (rs766227610, gnomAD 0.05%). This variant has not been reported in the literature in individuals affected with SCN1A-related conditions. ClinVar contains an entry for this variant (Variation ID: 1511769). Advanced modeling of protein sequence and biophysical properties (such as structural, functional, and spatial information, amino acid conservation, physicochemical variation, residue mobility, and thermodynamic stability) performed at Invitae indicates that this missense variant is expected to disrupt SCN1A protein function with a positive predictive value of 95%. In summary, the available evidence is currently insufficient to determine the role of this variant in disease. Therefore, it has been classified as a Variant of Uncertain Significance.

NM_001165963.4(SCN1A):c.4690G>A (p.Asp1564Asn)

Genes: SCN1A (sodium voltage-gated channel alpha subunit 1; minus strand), LOC102724058 (uncharacterized LOC102724058; plus strand). Cytogenetic location: 2q24.3.
Variant type: single nucleotide variant.
Coding change: c.4690G>A on transcript NM_001165963.4 (MANE Select); coding-DNA position 4690, G replaced by A.
Protein change: p.Asp1564Asn; replaces aspartic acid 1564 with asparagine.
Molecular consequence: missense variant. On other transcripts: non-coding transcript variant (1).
Genome position (GRCh38, 1-based): chr2:165,994,308, C>T on the plus strand (G>A on the coding strand, the complement: SCN1A is on the minus strand). VCF-style: chr2-165994308-C-T. GRCh37 (hg19) VCF-style: chr2-166850818-C-T.
Other names: c.4606G>A, p.Asp1536Asn (NM_001165964.3, NM_001353957.2, NM_001353958.2); c.4690G>A, p.Asp1564Asn (NM_001202435.3, NM_001353948.2); c.4657G>A, p.Asp1553Asn (NM_001353949.2, NM_001353950.2, NM_001353951.2 and 2 more transcripts); c.4654G>A, p.Asp1552Asn (NM_001353954.2, NM_001353955.2); c.4603G>A, p.Asp1535Asn (NM_001353960.2); c.2248G>A, p.Asp750Asn (NM_001353961.2); short protein forms D1536N, D750N, D1552N, D1564N, D1535N, D1553N.
Identifiers: ClinVar variation 1511769 (VCV001511769.9), dbSNP rs766227610, ClinGen allele CA1942750.